The following is an entry in ClinVar:

ClinVar aggregate classification (germline): Likely pathogenic. Review status: criteria provided, single submitter (1 of 4 stars). 2 submissions from 2 submitters: Likely pathogenic (1). 1 of the submissions does not count toward it. Last evaluated 2025-11-23.

Conditions:
Tangier disease (TGD). Also called: Cholesterol thesaurismosis; HIGH DENSITY LIPOPROTEIN DEFICIENCY, TANGIER TYPE; HIGH DENSITY LIPOPROTEIN DEFICIENCY, TYPE 1. Identifiers: Orphanet 31150, MedGen C0039292, MONDO:0008783, OMIM 205400.

Allele frequency attached by ClinVar (database versions not stated): gnomAD exomes below 0.00001 and 0.00001; TOPMed 0.00001.
gnomAD v4.1: 10 of 1,614,170 alleles (0.00062%); highest among the groups gnomAD compares: Non-Finnish European, 0.00085%; no homozygotes.

Submissions (2):

Labcorp Genetics (formerly Invitae), Labcorp
Classification: Likely pathogenic. Last evaluated: 2025-11-23. Review status: criteria provided, single submitter. Criteria: Invitae Variant Classification Sherloc (09022015). Collection method: clinical testing. Allele origin: germline.
Comment: This sequence change replaces serine, which is neutral and polar, with leucine, which is neutral and non-polar, at codon 1506 of the ABCA1 protein (p.Ser1506Leu). This variant is present in population databases (rs137854497, gnomAD 0.0009%). This missense change has been observed in individual(s) with Tangier disease (PMID: 11476961). In at least one individual the data is consistent with being in trans (on the opposite chromosome) from a pathogenic variant. This variant is also known as S1446L. ClinVar contains an entry for this variant (Variation ID: 9496). Invitae Evidence Modeling of protein sequence and biophysical properties (such as structural, functional, and spatial information, amino acid conservation, physicochemical variation, residue mobility, and thermodynamic stability) has been performed for this missense variant. However, the output from this modeling did not meet the statistical confidence thresholds required to predict the impact of this variant on ABCA1 protein function. Experimental studies have shown that this missense change affects ABCA1 function (PMID: 16873719, 25215231). In summary, the currently available evidence indicates that the variant is pathogenic, but additional data are needed to prove that conclusively. Therefore, this variant has been classified as Likely Pathogenic.

OMIM
Classification: Pathogenic for TANGIER DISEASE. Last evaluated: 2001-07-27. Review status: no assertion criteria provided. Collection method: literature only. Allele origin: germline. Not counted in ClinVar's aggregate classification.

Literature cited by the submitters: PubMed 11476961 (cited by Labcorp Genetics (formerly Invitae), Labcorp and OMIM); PubMed 16873719 (cited by Labcorp Genetics (formerly Invitae), Labcorp); PubMed 25215231 (cited by Labcorp Genetics (formerly Invitae), Labcorp).

NM_005502.4(ABCA1):c.4517C>T (p.Ser1506Leu)

Gene: ABCA1 (ATP binding cassette subfamily A member 1; minus strand). Cytogenetic location: 9q31.1.
Variant type: single nucleotide variant.
Coding change: c.4517C>T on transcript NM_005502.4 (MANE Select); coding-DNA position 4517, C replaced by T.
Protein change: p.Ser1506Leu; replaces serine 1506 with leucine.
Molecular consequence: missense variant.
Genome position (GRCh38, 1-based): chr9:104,804,668, G>A on the plus strand (C>T on the coding strand, the complement: ABCA1 is on the minus strand). VCF-style: chr9-104804668-G-A. GRCh37 (hg19) VCF-style: chr9-107566949-G-A.
Other names: S1446L; short protein forms S1506L.
Identifiers: ClinVar variation 9496 (VCV000009496.2), dbSNP rs137854497, ClinGen allele CA120486.